The following is an entry in ClinVar:

NM_001386140.1(MTTP):c.1867+1G>A

Gene: MTTP (microsomal triglyceride transfer protein; plus strand). Cytogenetic location: 4q23.
Variant type: single nucleotide variant.
Coding change: c.1867+1G>A on transcript NM_001386140.1 (MANE Select); the canonical splice donor site of the intron after coding-DNA position 1867, G replaced by A.
Molecular consequence: splice donor variant.
Genome position (GRCh38, 1-based): chr4:99,611,241, G>A. VCF-style: chr4-99611241-G-A. GRCh37 (hg19) VCF-style: chr4-100532398-G-A.
Other names: c.1867+1G>A (NM_000253.4); c.1618+1G>A (NM_001300785.2).
Identifiers: ClinVar variation 638950 (VCV000638950.18), dbSNP rs764189338, ClinGen allele CA102642976.

ClinVar aggregate classification (germline): Pathogenic. Review status: criteria provided, multiple submitters, no conflicts (2 of 4 stars). 7 submissions from 7 submitters: Pathogenic (6). 1 of the submissions does not count toward it. Last evaluated 2026-01-06.

Conditions:
MTTP-related disorder. Also called: MTTP-related condition.
Abetalipoproteinaemia (ABL). Also called: MTP DEFICIENCY; Abetalipoproteinemia; Abetalipoproteinemia neuropathy; Apolipoprotein B deficiency; Congenital betalipoprotein deficiency syndrome. Identifiers: Orphanet 14, MedGen C0000744, MONDO:0008692, OMIM 200100, HP:0008181.

Allele frequency attached by ClinVar (database versions not stated): gnomAD exomes 0.00001 and 0.00005; gnomAD 0.00003 and 0.00004; TOPMed 0.00003.
gnomAD v4.1: 81 of 1,612,750 alleles (0.005%); highest among the groups gnomAD compares: Non-Finnish European, 0.0065%; no homozygotes.

Submissions (7):

Labcorp Genetics (formerly Invitae), Labcorp
Classification: Pathogenic. Last evaluated: 2026-01-06. Review status: criteria provided, single submitter. Criteria: Invitae Variant Classification Sherloc (09022015). Collection method: clinical testing. Allele origin: germline.
Comment: This sequence change affects a donor splice site in intron 14 of the MTTP gene. It is expected to disrupt RNA splicing. Variants that disrupt the donor or acceptor splice site typically lead to a loss of protein function (PMID: 16199547), and loss-of-function variants in MTTP are known to be pathogenic (PMID: 8533758, 9671739). This variant is present in population databases (rs764189338, gnomAD 0.002%). Disruption of this splice site has been observed in individuals with abetalipoproteinemia (PMID: 8533758, 27578136). It has also been observed to segregate with disease in related individuals. ClinVar contains an entry for this variant (Variation ID: 638950). Algorithms developed to predict the effect of sequence changes on RNA splicing suggest that this variant may disrupt the consensus splice site. For these reasons, this variant has been classified as Pathogenic.

Natera, Inc.
Classification: Pathogenic for Abetalipoproteinemia. Last evaluated: 2025-08-25. Review status: criteria provided, single submitter. Criteria: Natera Variant Classification Schema (03/2026). Collection method: clinical testing. Allele origin: germline.
Comment: The c.1867+1G>A variant in MTTP is a canonical splice donor site variant predicted to affect pre-mRNA splicing, which may result in an abnormal transcript and altered protein product. This variant is expected to result in nonsense mediated decay, truncation, or a dysfunctional protein product. This variant is rare in the general population with a frequency below the threshold expected for the associated phenotype(s). This variant has been observed in one or more individuals affected with the associated recessive disease, as either homozygous or compound heterozygous with a second variant (PMID: 27578136, 8533758). Given the available evidence, this variant is classified as Pathogenic.

GeneDx
Classification: Pathogenic. Last evaluated: 2025-04-09. Review status: criteria provided, single submitter. Criteria: GeneDx Variant Classification Process June 2021. Collection method: clinical testing. Allele origin: germline. Affected: yes.
Comment: Not observed at significant frequency in large population cohorts (gnomAD); Canonical splice site variant predicted to result in a null allele in a gene for which loss of function is a known mechanism of disease; This variant is associated with the following publications: (PMID: 25525159, 31964843, 8533758, 27578136)

Blueprint Genetics
Classification: Pathogenic for MTTP-related disorders. Last evaluated: 2024-05-08. Review status: criteria provided, single submitter. Criteria: ACMG Guidelines, 2015. Collection method: clinical testing. Allele origin: germline. Affected: yes. Observed: 4 variant alleles.

Fulgent Genetics
Classification: Pathogenic for Abetalipoproteinaemia. Last evaluated: 2024-02-01. Review status: criteria provided, single submitter. Criteria: ACMG Guidelines, 2015. Collection method: clinical testing. Allele origin: germline.

Women's Health and Genetics/Laboratory Corporation of America, LabCorp
Classification: Pathogenic for Abetalipoproteinaemia. Last evaluated: 2021-06-28. Review status: criteria provided, single submitter. Criteria: LabCorp Variant Classification Summary - May 2015. Collection method: clinical testing. Allele origin: germline.
Comment: Variant summary: MTTP c.1867+1G>A is located in a canonical splice-site and is predicted to affect mRNA splicing resulting in a significantly altered protein due to either exon skipping, shortening, or inclusion of intronic material. Several computational tools predict a significant impact on normal splicing: Four predict the variant abolishes a 5 splicing donor site. However, these predictions have yet to be confirmed by functional studies. The variant allele was found at a frequency of 8e-06 in 251398 control chromosomes (gnomAD). c.1867+1G>A has been reported in the literature in individuals affected with Abetalipoproteinaemia (Bassen-Kornzweig Syndrome), including one homozygote (Narcisi_1995, Pons_2011, Paquette_2016). These data indicate that the variant is likely to be associated with disease. To our knowledge, no experimental evidence demonstrating an impact on protein function has been reported. One ClinVar submitter (evaluation after 2014) cites the variant as pathogenic. Based on the evidence outlined above, the variant was classified as pathogenic.

Cardiovascular Genetics Laboratory, PathWest Laboratory Medicine WA - Fiona Stanley Hospital
Classification: Pathogenic for Abetalipoproteinaemia. Last evaluated: 2023-09-11. Review status: no assertion criteria provided. Criteria: ACMG Guidelines, 2015. Collection method: clinical testing. Allele origin: germline. Not counted in ClinVar's aggregate classification.

Literature cited by the submitters: PubMed 16199547 (cited by Labcorp Genetics (formerly Invitae), Labcorp); PubMed 8533758 (cited by 3 submitters); PubMed 9671739 (cited by Labcorp Genetics (formerly Invitae), Labcorp); PubMed 27578136 (cited by 3 submitters); PubMed 30522860 (cited by Women's Health and Genetics/Laboratory Corporation of America, LabCorp); PubMed 21394827 (cited by Women's Health and Genetics/Laboratory Corporation of America, LabCorp); PubMed 33258201 (cited by Women's Health and Genetics/Laboratory Corporation of America, LabCorp).